The following is an entry in ClinVar:

NM_003001.5(SDHC):c.*612C>T

Gene: SDHC (succinate dehydrogenase complex subunit C; plus strand). Cytogenetic location: 1q23.3.
Variant type: single nucleotide variant.
Coding change: c.*612C>T on transcript NM_003001.5 (MANE Select); 612 bases downstream of the stop codon, C replaced by T.
Molecular consequence: 3 prime UTR variant.
Genome position (GRCh38, 1-based): chr1:161,363,045, C>T. VCF-style: chr1-161363045-C-T. GRCh37 (hg19) VCF-style: chr1-161332835-C-T.
Other names: c.*505C>T (NM_001035511.3, NM_001278172.3, NM_001407121.1); c.*612C>T (NM_001035512.3, NM_001035513.3, NM_001407115.1 and 5 more transcripts).
Identifiers: ClinVar variation 293331 (VCV000293331.6), dbSNP rs16865495, ClinGen allele CA10608033.
Genomic context (GRCh38, chr1:161,363,045, plus strand): 5'-AGAGGGCTAGTTAGTTCTTGGAGCAGCTGCTTTTGAGGAGAAAATATATAGCTTTGGACA[C>T]GAGGAAGATCTAGAAAATTATCATTGAACATATTAATGGTTATTTCTTTTTCTTGGATTT-3'

ClinVar aggregate classification (germline): Benign (1 of 4 stars; one submission).

Conditions:
Hereditary pheochromocytoma and paraganglioma. Also called: Hereditary Paraganglioma-Pheochromocytoma Syndromes; Hereditary paragangliomas and pheochromocytomas; Hereditary pheochromocytoma-paraganglioma. Identifiers: Orphanet 29072, MedGen C4274332, MONDO:0017366.

Allele frequency attached by ClinVar (database versions not stated): gnomAD exomes 0.00268; gnomAD 0.01502 and 0.01618; TOPMed 0.01718; 1000 Genomes Project 0.02037; 1000 Genomes Project 30x 0.02139.
gnomAD v4.1: 2,527 of 242,178 alleles (1%); highest among the groups gnomAD compares: African/African-American, 5.2%; 61 homozygotes.

Submission:

Illumina Laboratory Services, Illumina
Classification: Benign for Hereditary Paraganglioma-Pheochromocytoma Syndromes. Last evaluated: 2018-01-31. Review status: criteria provided, single submitter. Criteria: ICSL Variant Classification Criteria 13 December 2019. Collection method: clinical testing. Allele origin: germline.
Comment: This variant was observed as part of a predisposition screen in an ostensibly healthy population. A literature search was performed for the gene, cDNA change, and amino acid change (where applicable). No publications were found based on this search. Allele frequency data from public databases was too high to be consistent with this variant causing disease. Therefore, this variant is classified as benign.